The following is an entry in ClinVar:

ClinVar aggregate classification (germline): Uncertain significance (1 of 4 stars; one submission).

Conditions:
Intellectual developmental disorder, autosomal dominant 1. Also called: Intellectual disability, autosomal dominant 1; MBD5 Haploinsufficiency. Identifiers: Orphanet 228402, MedGen C1969562, MONDO:0007974, OMIM 156200.

Allele frequency attached by ClinVar (database versions not stated): gnomAD exomes 0.00001 and below 0.00001; ExAC 0.00002.
gnomAD v4.1: 1 of 1,613,742 alleles (0.000062%); highest among the groups gnomAD compares: African/African-American, 0.0013%; no homozygotes.

Submission:

Labcorp Genetics (formerly Invitae), Labcorp
Classification: Uncertain significance for Mental retardation, autosomal dominant 1. Last evaluated: 2019-11-25. Review status: criteria provided, single submitter. Criteria: Invitae Variant Classification Sherloc (09022015). Collection method: clinical testing. Allele origin: germline.
Comment: This sequence change replaces glutamic acid with glutamine at codon 322 of the MBD5 protein (p.Glu322Gln). The glutamic acid residue is highly conserved and there is a small physicochemical difference between glutamic acid and glutamine. This variant is present in population databases (rs760694122, ExAC 0.003%). This variant has not been reported in the literature in individuals with MBD5-related conditions. Algorithms developed to predict the effect of missense changes on protein structure and function (SIFT, PolyPhen-2, Align-GVGD) all suggest that this variant is likely to be disruptive, but these predictions have not been confirmed by published functional studies and their clinical significance is uncertain. In summary, the available evidence is currently insufficient to determine the role of this variant in disease. Therefore, it has been classified as a Variant of Uncertain Significance.

NM_001378120.1(MBD5):c.964G>C (p.Glu322Gln)

Gene: MBD5 (methyl-CpG binding domain protein 5; plus strand). Cytogenetic location: 2q23.1.
Variant type: single nucleotide variant.
Coding change: c.964G>C on transcript NM_001378120.1 (MANE Select); coding-DNA position 964, G replaced by C.
Protein change: p.Glu322Gln; replaces glutamic acid 322 with glutamine.
Molecular consequence: missense variant.
Genome position (GRCh38, 1-based): chr2:148,468,907, G>C. VCF-style: chr2-148468907-G-C. GRCh37 (hg19) VCF-style: chr2-149226476-G-C.
Other names: c.964G>C, p.Glu322Gln (NM_018328.5); short protein forms E322Q.
Identifiers: ClinVar variation 835369 (VCV000835369.1), dbSNP rs760694122, ClinGen allele CA1899949.